The following is an entry in ClinVar:

NM_138638.5(CFL2):c.115T>G (p.Cys39Gly)

Gene: CFL2 (cofilin 2; minus strand). Cytogenetic location: 14q13.1.
Variant type: single nucleotide variant.
Coding change: c.115T>G on transcript NM_138638.5 (MANE Select); coding-DNA position 115, T replaced by G.
Protein change: p.Cys39Gly; replaces cysteine 39 with glycine.
Molecular consequence: missense variant. On other transcripts: non-coding transcript variant (1).
Genome position (GRCh38, 1-based): chr14:34,713,450, A>C on the plus strand (T>G on the coding strand, the complement: CFL2 is on the minus strand). VCF-style: chr14-34713450-A-C. GRCh37 (hg19) VCF-style: chr14-35182656-A-C.
Other names: c.64T>G, p.Cys22Gly (NM_001243645.2); c.115T>G, p.Cys39Gly (NM_021914.8); short protein forms C22G, C39G.
Identifiers: ClinVar variation 5021122 (VCV005021122.1).
Genomic context (GRCh38, chr14:34,713,450, plus strand): 5'-CACCCACCAAGATCTGCTTTGCTTCCTCTACAATTATTTGTCTTTTGTCATCGCTTAAAC[A>C]GAAGAGAACTGCTTTCTTTCTCTTTTTGATCTCCTCTTGTGTAGAAGATTTCCTTACTTT-3'
Protein context (NP_619579.1, residues 29-49): IKKRKKAVLF[Cys39Gly]LSDDKRQIIV

ClinVar aggregate classification (germline): Uncertain significance (1 of 4 stars; one submission).

Conditions:
Nemaline myopathy 7 (NEM7). Also called: Nemaline myopathy 7, autosomal recessive. Identifiers: Orphanet 171436, MedGen C1853154, MONDO:0012538, OMIM 610687.

Submission:

Harry Perkins Institute Of Medical Research, University Of Western Australia
Classification: Uncertain significance for Nemaline myopathy 7. Last evaluated: 2026-10-13. Review status: criteria provided, single submitter. Criteria: ACMG Guidelines, 2015. Collection method: research. Allele origin: germline. Inheritance: Autosomal recessive inheritance. Affected: yes. Observed: 1 variant allele.
Comment: Associated with significantly reduced filamentous actin depolymerisation rates in vitro. PM2 (Variant not found in gnomAD genomes, good gnomAD genomes coverage = 31.7. Variant not found in gnomAD exomes, good gnomAD exomes coverage = 33.9), PP3 (AlphaMissense = 0.67 is between 0.621 and 0.926 ⇒ supporting pathogenic), PS3_P (Associated with significantly reduced filamentous actin depolymerisation rates in vitro, Functional evidence available, see PMID: 40581737).

Literature cited by the submitters: PubMed 40581737.